The following is an entry in ClinVar:

NM_000138.5(FBN1):c.3952dup (p.Thr1318fs)

Gene: FBN1 (fibrillin 1; minus strand). Cytogenetic location: 15q21.1.
Variant type: Duplication.
Coding change: c.3952dup on transcript NM_000138.5 (MANE Select); coding-DNA position 3952, one base duplicated (A; older notation c.3952dupA).
Protein change: p.Thr1318fs; shifts the reading frame from threonine 1318.
Molecular consequence: frameshift variant.
Genome position (GRCh38, 1-based): chr15:48,481,667, T duplicated on the plus strand (A on the coding strand, the reverse complement: FBN1 is on the minus strand); the first of 5 consecutive T bases (chr15:48,481,667-48,481,671); duplicating any one gives the same sequence. VCF-style (leftmost placement, unchanged base first): chr15-48481666-G-GT. GRCh37 (hg19) VCF-style: chr15-48773863-G-GT.
Other names: c.3952dupA (NM_000138.4); short protein forms T1318fs.
Identifiers: ClinVar variation 572235 (VCV000572235.9), dbSNP rs1566908063, ClinGen allele CA891843838.
Genomic context (GRCh38, chr15:48,481,666, plus strand): 5'-CAATCTCTTAACTACTTAATATTTTATTGTTCTACTTGAACAAACACACCTGTACAGCCA[G>GT]TTTTTCCTTTTTTGCCGGAGTAGCCCATATCACAGTGGCAGATAAATGAGCCTTTCGTGT-3'

ClinVar aggregate classification (germline): Pathogenic. Review status: criteria provided, multiple submitters, no conflicts (2 of 4 stars). 2 submissions from 2 submitters: Pathogenic (2). Last evaluated 2025-03-22.

Conditions:
Familial thoracic aortic aneurysm and aortic dissection (TAAD). Also called: Thoracic aortic aneurysms and dissections. Identifiers: Orphanet 91387, MedGen C4707243, MONDO:0019625.
Marfan syndrome (MFS). Also called: FBN1-Related Marfan Syndrome; Marfan syndrome type 1; Marfan's syndrome; Marfan syndrome, classic; MARFAN SYNDROME, TYPE I. Identifiers: Orphanet 284963, Orphanet 558, MedGen C0024796, MONDO:0007947, OMIM 154700.

Submissions (2):

Ambry Genetics
Classification: Pathogenic for Familial thoracic aortic aneurysm and aortic dissection. Last evaluated: 2025-03-22. Review status: criteria provided, single submitter. Criteria: Ambry Variant Classification Scheme 2023. Collection method: clinical testing. Allele origin: germline.
Comment: The c.3952dupA pathogenic mutation, located in coding exon 31 of the FBN1 gene, results from a duplication of A at nucleotide position 3952, causing a translational frameshift with a predicted alternate stop codon (p.T1318Nfs*8). This variant was reported in individual(s) with features consistent with Marfan syndrome (Rybczynski M et al. Am J Med Genet A, 2008 Dec;146A:3157-66). This variant is considered to be rare based on population cohorts in the Genome Aggregation Database (gnomAD). This alteration is expected to result in loss of function by premature protein truncation or nonsense-mediated mRNA decay. As such, this alteration is interpreted as a disease-causing mutation.

Labcorp Genetics (formerly Invitae), Labcorp
Classification: Pathogenic for Marfan syndrome; Familial thoracic aortic aneurysm and aortic dissection. Last evaluated: 2022-07-12. Review status: criteria provided, single submitter. Criteria: Invitae Variant Classification Sherloc (09022015). Collection method: clinical testing. Allele origin: germline.
Comment: For these reasons, this variant has been classified as Pathogenic. ClinVar contains an entry for this variant (Variation ID: 572235). This variant is also known as c.3953insA. This premature translational stop signal has been observed in individual(s) with Marfan syndrome (PMID: 19012347). This variant is not present in population databases (gnomAD no frequency). This sequence change creates a premature translational stop signal (p.Thr1318Asnfs*8) in the FBN1 gene. It is expected to result in an absent or disrupted protein product. Loss-of-function variants in FBN1 are known to be pathogenic (PMID: 17657824, 19293843).

Literature cited by the submitters: PubMed 19012347 (cited by Ambry Genetics and Labcorp Genetics (formerly Invitae), Labcorp); PubMed 17657824 (cited by Labcorp Genetics (formerly Invitae), Labcorp); PubMed 19293843 (cited by Labcorp Genetics (formerly Invitae), Labcorp).